The following is an entry in ClinVar:

ClinVar aggregate classification (germline): Uncertain significance (1 of 4 stars; one submission).

Submission:

Labcorp Genetics (formerly Invitae), Labcorp
Classification: Uncertain significance. Last evaluated: 2025-08-20. Review status: criteria provided, single submitter. Criteria: Invitae Variant Classification Sherloc (09022015). Collection method: clinical testing. Allele origin: germline.
Comment: This sequence change replaces leucine, which is neutral and non-polar, with proline, which is neutral and non-polar, at codon 77 of the SLC7A14 protein (p.Leu77Pro). This variant is not present in population databases (gnomAD no frequency). This variant has not been reported in the literature in individuals affected with SLC7A14-related conditions. An algorithm developed to predict the effect of missense changes on protein structure and function (PolyPhen-2) suggests that this variant is likely to be disruptive. In summary, the available evidence is currently insufficient to determine the role of this variant in disease. Therefore, it has been classified as a Variant of Uncertain Significance.

NM_020949.3(SLC7A14):c.230T>C (p.Leu77Pro)

Genes: SLC7A14 (solute carrier family 7 member 14; minus strand), SLC7A14-AS1 (SLC7A14 antisense RNA 1; plus strand). Cytogenetic location: 3q26.2.
Variant type: single nucleotide variant.
Coding change: c.230T>C on transcript NM_020949.3 (MANE Select); coding-DNA position 230, T replaced by C.
Protein change: p.Leu77Pro; replaces leucine 77 with proline.
Molecular consequence: missense variant.
Genome position (GRCh38, 1-based): chr3:170,526,707, A>G on the plus strand (T>C on the coding strand, the complement: SLC7A14 is on the minus strand). VCF-style: chr3-170526707-A-G. GRCh37 (hg19) VCF-style: chr3-170244496-A-G.
Other names: short protein forms L77P.
Identifiers: ClinVar variation 4695138 (VCV004695138.1).